The following is an entry in ClinVar:

ClinVar aggregate classification (germline): Uncertain significance (1 of 4 stars; one submission).

Allele frequency attached by ClinVar (database versions not stated): TOPMed below 0.00001.
gnomAD v4.1: 5 of 1,613,728 alleles (0.00031%); no homozygotes.

Submission:

Labcorp Genetics (formerly Invitae), Labcorp
Classification: Uncertain significance. Last evaluated: 2020-11-04. Review status: criteria provided, single submitter. Criteria: Invitae Variant Classification Sherloc (09022015). Collection method: clinical testing. Allele origin: germline.
Comment: In summary, the available evidence is currently insufficient to determine the role of this variant in disease. Therefore, it has been classified as a Variant of Uncertain Significance. Algorithms developed to predict the effect of missense changes on protein structure and function (SIFT, PolyPhen-2, Align-GVGD) all suggest that this variant is likely to be tolerated, but these predictions have not been confirmed by published functional studies and their clinical significance is uncertain. This variant has not been reported in the literature in individuals with FERMT1-related conditions. This variant is not present in population databases (ExAC no frequency). This sequence change replaces methionine with valine at codon 234 of the FERMT1 protein (p.Met234Val). The methionine residue is highly conserved and there is a small physicochemical difference between methionine and valine.

NM_017671.5(FERMT1):c.700A>G (p.Met234Val)

Gene: FERMT1 (FERM domain containing kindlin 1; minus strand). Cytogenetic location: 20p12.3.
Variant type: single nucleotide variant.
Coding change: c.700A>G on transcript NM_017671.5 (MANE Select); coding-DNA position 700, A replaced by G.
Protein change: p.Met234Val; replaces methionine 234 with valine.
Molecular consequence: missense variant.
Genome position (GRCh38, 1-based): chr20:6,110,344, T>C on the plus strand (A>G on the coding strand, the complement: FERMT1 is on the minus strand). VCF-style: chr20-6110344-T-C. GRCh37 (hg19) VCF-style: chr20-6090991-T-C.
Other names: short protein forms M234V.
Identifiers: ClinVar variation 1420838 (VCV001420838.8), dbSNP rs1555800908, ClinGen allele CA408188064.
Genomic context (GRCh38, chr20:6,110,344, plus strand): 5'-AGCCGTGTCCTTACCCTGCATTGAGCTTGGCTTTATCAACCAGAGACCGAGGCTGGTACA[T>C]ATCCGCAAGTGCTTCTGGGGACTGGGGGGGTTGGCTGAATGCGAGGATGCTGCAGTTTTG-3'
Protein context (NP_060141.3, residues 224-244): PPQSPEALAD[Met234Val]YQPRSLVDKA